The following is an entry in ClinVar:

NM_000186.4(CFH):c.3581G>A (p.Gly1194Asp)

Gene: CFH (complement factor H; plus strand). Cytogenetic location: 1q31.3.
Variant type: single nucleotide variant.
Coding change: c.3581G>A on transcript NM_000186.4 (MANE Select); coding-DNA position 3581, G replaced by A.
Protein change: p.Gly1194Asp; replaces glycine 1194 with aspartic acid.
Molecular consequence: missense variant.
Genome position (GRCh38, 1-based): chr1:196,747,198, G>A. VCF-style: chr1-196747198-G-A. GRCh37 (hg19) VCF-style: chr1-196716328-G-A.
Other names: short protein forms G1194D.
Identifiers: ClinVar variation 636910 (VCV000636910.12), dbSNP rs761877050, ClinGen allele CA1305983.
Genomic context (GRCh38, chr1:196,747,198, plus strand): 5'-TGGAAAATTATAACATAGCATTAAGGTGGACAGCCAAACAGAAGCTTTATTCGAGAACAG[G>A]TGAATCAGTTGAATTTGTGTGTAAACGGGGATATCGTCTTTCATCACGTTCTCACACATT-3'
Protein context (NP_000177.2, residues 1184-1204): TAKQKLYSRT[Gly1194Asp]ESVEFVCKRG

ClinVar aggregate classification (germline): Conflicting classifications of pathogenicity. Review status: criteria provided, conflicting classifications (1 of 4 stars). 8 submissions from 5 submitters: Likely pathogenic (1); Uncertain significance (7). Last evaluated 2026-09-17.

Conditions:
Age related macular degeneration 4. Identifiers: MedGen C1853147, MONDO:0012540, OMIM 610698.
Atypical hemolytic-uremic syndrome. Identifiers: Orphanet 2134, MedGen C2931788, MONDO:0016244.
Factor H deficiency (CFHD). Also called: COMPLEMENT FACTOR H DEFICIENCY; CFH DEFICIENCY. Identifiers: Orphanet 200421, MedGen C0398777, MONDO:0012350, OMIM 609814.
Hemolytic uremic syndrome, atypical, susceptibility to, 1. Also called: AHUS, SUSCEPTIBILITY TO, 1. Identifiers: Orphanet 2134, Orphanet 90038, MedGen C2749604, MONDO:0009335, OMIM 235400. Disease mechanism: Other.
Basal laminar drusen. Also called: DRUSEN OF BRUCH MEMBRANE; DRUSEN, CUTICULAR; DRUSEN, EARLY ADULT-ONSET, GROUPED. Identifiers: Orphanet 75376, MedGen C0730295, MONDO:0007472, OMIM 126700.

Allele frequency attached by ClinVar (database versions not stated): gnomAD 0.00001; gnomAD exomes 0.00001 and 0.00003; ExAC 0.00003.
gnomAD v4.1: 17 of 1,613,750 alleles (0.0011%); highest among the groups gnomAD compares: Non-Finnish European, 0.0014%; no homozygotes.

Submissions (8):

Genomenon, Inc
Classification: Likely pathogenic for Age related macular degeneration 4; Atypical hemolytic-uremic syndrome; Factor H deficiency. Last evaluated: 2026-09-17. Review status: criteria provided, single submitter. Criteria: Genomenon Sequence Variant Interpretation Standards - Updated. Collection method: curation. Allele origin: germline. Affected: yes.
Comment: CFH p.Gly1194Asp (c.3581G>A) is a missense variant that changes the amino acid at codon 1194 from glycine to aspartic acid. This variant has been observed in at least one proband affected with a CFH-related disorder (PMID: 34714369; 26501415; 20513133; 23431077; 29888403; 14583443; 28596415; 20304497). The variant was found to segregate with disease in at least one affected family (PMID: 14583443). Functional studies have been reported (PMID: 36445700; 34189567; 27905547; 16601698). It is absent or not present at a significant frequency in gnomAD. In conclusion, we classify CFH p.Gly1194Asp (c.3581G>A) as a likely pathogenic variant.

Women's Health and Genetics/Laboratory Corporation of America, LabCorp
Classification: Uncertain significance. Last evaluated: 2024-09-25. Review status: criteria provided, single submitter. Criteria: LabCorp Variant Classification Summary - May 2015. Collection method: clinical testing. Allele origin: germline.
Comment: Variant summary: CFH c.3581G>A (p.Gly1194Asp) results in a non-conservative amino acid change located in the Sushi/SCR/CCP domain (IPR000436) of the encoded protein sequence. Four of five in-silico tools predict a benign effect of the variant on protein function. The variant allele was found at a frequency of 1.2e-05 in 251162 control chromosomes (gnomAD). c.3581G>A has been reported in the literature in individuals affected with atypical Hemolytic Uremic Syndrome (Perkins_2002, Caprioli_2003, Maga_2010, Bresin_2013, Bruel_2017, Geerlings_2018, Haydock_2021). These data indicate that the variant may be associated with disease. At least one publication reports experimental evidence evaluating an impact on protein function and this variant results in poor protein expression in vitro (Martn Merinero_2021). The following publications have been ascertained in the context of this evaluation (PMID: 23431077, 28596415, 14583443, 29888403, 34714369, 16601698, 20513133, 34189567, 21317894, 11851332). ClinVar contains an entry for this variant (Variation ID: 636910). Based on the evidence outlined above, the variant was classified as VUS-possibly pathogenic.

Blueprint Genetics
Classification: Uncertain significance. Last evaluated: 2023-06-28. Review status: criteria provided, single submitter. Criteria: ACMG Guidelines, 2015. Collection method: clinical testing. Allele origin: germline.

Genome-Nilou Lab
Classification: Uncertain significance for Hemolytic uremic syndrome, atypical, susceptibility to, 1. Last evaluated: 2023-04-11. Review status: criteria provided, single submitter. Criteria: ACMG Guidelines, 2015. Collection method: clinical testing. Allele origin: germline. Affected: no.

Genome-Nilou Lab
Classification: Uncertain significance for Age related macular degeneration 4. Last evaluated: 2023-04-11. Review status: criteria provided, single submitter. Criteria: ACMG Guidelines, 2015. Collection method: clinical testing. Allele origin: germline. Affected: no.

Genome-Nilou Lab
Classification: Uncertain significance for Basal laminar drusen. Last evaluated: 2023-04-11. Review status: criteria provided, single submitter. Criteria: ACMG Guidelines, 2015. Collection method: clinical testing. Allele origin: germline. Affected: no.

Genome-Nilou Lab
Classification: Uncertain significance for Factor H deficiency. Last evaluated: 2023-04-11. Review status: criteria provided, single submitter. Criteria: ACMG Guidelines, 2015. Collection method: clinical testing. Allele origin: germline. Affected: no.

Mayo Clinic Laboratories, Mayo Clinic
Classification: Uncertain significance. Last evaluated: 2022-03-22. Review status: criteria provided, single submitter. Criteria: ACMG Guidelines, 2015. Collection method: clinical testing. Allele origin: germline. Observed: 2 variant alleles.

Literature cited by the submitters: PubMed 34714369 (cited by Genomenon, Inc and Women's Health and Genetics/Laboratory Corporation of America, LabCorp); PubMed 26501415 (cited by Genomenon, Inc); PubMed 20513133 (cited by Genomenon, Inc and Women's Health and Genetics/Laboratory Corporation of America, LabCorp); PubMed 23431077 (cited by Genomenon, Inc and Women's Health and Genetics/Laboratory Corporation of America, LabCorp); PubMed 29888403 (cited by Genomenon, Inc and Women's Health and Genetics/Laboratory Corporation of America, LabCorp); PubMed 14583443 (cited by Genomenon, Inc and Women's Health and Genetics/Laboratory Corporation of America, LabCorp); PubMed 28596415 (cited by Genomenon, Inc and Women's Health and Genetics/Laboratory Corporation of America, LabCorp); PubMed 20304497 (cited by Genomenon, Inc); PubMed 36445700 (cited by Genomenon, Inc); PubMed 34189567 (cited by Genomenon, Inc and Women's Health and Genetics/Laboratory Corporation of America, LabCorp); PubMed 27905547 (cited by Genomenon, Inc); PubMed 16601698 (cited by Genomenon, Inc and Women's Health and Genetics/Laboratory Corporation of America, LabCorp); PubMed 11851332 (cited by Women's Health and Genetics/Laboratory Corporation of America, LabCorp); PubMed 21317894 (cited by Women's Health and Genetics/Laboratory Corporation of America, LabCorp).